The following is an entry in ClinVar:

ClinVar aggregate classification (germline): Uncertain significance (1 of 4 stars; one submission).

Conditions:
DNA2-related disorder. Also called: DNA2-related condition.

Allele frequency attached by ClinVar (database versions not stated): gnomAD exomes below 0.00001; TOPMed below 0.00001.
gnomAD v4.1: 4 of 1,558,470 alleles (0.00026%); highest among the groups gnomAD compares: Non-Finnish European, 0.00035%; no homozygotes.

Submission:

PreventionGenetics, part of Exact Sciences
Classification: Uncertain significance for DNA2-related condition. Last evaluated: 2023-01-04. Review status: criteria provided, single submitter. Criteria: ACMG Guidelines, 2015. Collection method: clinical testing. Allele origin: germline.
Comment: The DNA2 c.939+2T>C variant is predicted to disrupt the GT donor site and interfere with normal splicing. This variant is predicted to disrupt the GT donor site and interfere with normal splicing (Alamut Visual Plus v1.6.1). To our knowledge, this variant has not been reported in the literature. Only a limited number of loss-of-function variants have been reported in this gene in association with disease to date (Human Gene Mutation Database). This variant is reported in 0.0012% of alleles in individuals of European (Non-Finnish) descent in gnomAD. At this time, the clinical significance of this variant is uncertain due to the absence of conclusive functional and genetic evidence.

NM_001080449.3(DNA2):c.939+2T>C

Gene: DNA2 (DNA replication helicase/nuclease 2; minus strand). Cytogenetic location: 10q21.3.
Variant type: single nucleotide variant.
Coding change: c.939+2T>C on transcript NM_001080449.3 (MANE Select); the canonical splice donor site of the intron after coding-DNA position 939, T replaced by C.
Molecular consequence: splice donor variant.
Genome position (GRCh38, 1-based): chr10:68,450,026, A>G on the plus strand (T>C on the coding strand, the complement: DNA2 is on the minus strand). VCF-style: chr10-68450026-A-G. GRCh37 (hg19) VCF-style: chr10-70209783-A-G.
Identifiers: ClinVar variation 2629884 (VCV002629884.1), dbSNP rs780722107, ClinGen allele CA5525180.